The following is an entry in ClinVar:

NM_014915.3(ANKRD26):c.1116T>C (p.Asn372=)

Gene: ANKRD26 (ankyrin repeat domain 26; minus strand). Cytogenetic location: 10p12.1.
Variant type: single nucleotide variant.
Coding change: c.1116T>C on transcript NM_014915.3 (MANE Select); coding-DNA position 1116, T replaced by C.
Protein change: p.Asn372=; no amino-acid change (asparagine 372 retained).
Molecular consequence: synonymous variant.
Genome position (GRCh38, 1-based): chr10:27,067,248, A>G on the plus strand (T>C on the coding strand, the complement: ANKRD26 is on the minus strand). VCF-style: chr10-27067248-A-G. GRCh37 (hg19) VCF-style: chr10-27356177-A-G.
Other names: c.1116T>C, p.Asn372= (NM_001256053.2).
Identifiers: ClinVar variation 3054697 (VCV003054697.5), dbSNP rs760838908, ClinGen allele CA5448681.
Genomic context (GRCh38, chr10:27,067,248, plus strand): 5'-ATAAGTCAAATTGTCATTATTTGTTTGCTCTAGTGGAGCACTTTCAATAATATCAATACC[A>G]TTTTCTTTTTTTGCAATGCCTGGCTTTGTTGGTTCTTCCTATTAAAAACAAAAACAAACA-3'
Protein context (NP_055730.2, residues 362-382): PTKPGIAKKE[Asn372=]GIDIIESAPL

ClinVar aggregate classification (germline): Benign/Likely benign. Review status: criteria provided, multiple submitters, no conflicts (2 of 4 stars). 3 submissions from 3 submitters: Benign (1); Likely benign (1). 1 of the submissions does not count toward it. Last evaluated 2024-12-02.

Conditions:
ANKRD26-related disorder. Also called: ANKRD26-related condition.
Inborn genetic diseases. Identifiers: MedGen C0950123, MeSH D030342.

Allele frequency attached by ClinVar (database versions not stated): gnomAD 0.00001; gnomAD exomes 0.00005; ExAC 0.00010.
gnomAD v4.1: 74 of 1,613,556 alleles (0.0046%); highest among the groups gnomAD compares: South Asian, 0.075%; 3 homozygotes.

Submissions (3):

Ambry Genetics
Classification: Likely benign for Inborn genetic diseases. Last evaluated: 2024-12-02. Review status: criteria provided, single submitter. Criteria: Ambry Variant Classification Scheme 2023. Collection method: clinical testing. Allele origin: germline.

Labcorp Genetics (formerly Invitae), Labcorp
Classification: Benign. Last evaluated: 2024-05-06. Review status: criteria provided, single submitter. Criteria: Invitae Variant Classification Sherloc (09022015). Collection method: clinical testing. Allele origin: germline.

PreventionGenetics, part of Exact Sciences
Classification: Likely benign for ANKRD26-related condition. Last evaluated: 2021-02-25. Review status: no assertion criteria provided. Collection method: clinical testing. Allele origin: germline. Not counted in ClinVar's aggregate classification.
Comment: This variant is classified as likely benign based on ACMG/AMP sequence variant interpretation guidelines (Richards et al. 2015 PMID: 25741868, with internal and published modifications).